The following is an entry in ClinVar:

ClinVar aggregate classification (germline): Uncertain significance (1 of 4 stars; one submission).

Conditions:
Hereditary pancreatitis (PCTT). Also called: Hereditary chronic pancreatitis; PRSS1-Related Hereditary Pancreatitis. Identifiers: Orphanet 676, MedGen C0238339, MONDO:0008185, OMIM 167800.

Allele frequency attached by ClinVar (database versions not stated): gnomAD exomes 0.00001.
gnomAD v4.1: 20 of 1,614,172 alleles (0.0012%); highest among the groups gnomAD compares: Non-Finnish European, 0.0017%; no homozygotes.

Submission:

Ambry Genetics
Classification: Uncertain significance for Hereditary pancreatitis. Last evaluated: 2024-04-04. Review status: criteria provided, single submitter. Criteria: Ambry Variant Classification Scheme 2023. Collection method: clinical testing. Allele origin: germline.
Comment: The p.Q267R variant (also known as c.800A>G), located in coding exon 8 of the CTRC gene, results from an A to G substitution at nucleotide position 800. The glutamine at codon 267 is replaced by arginine, an amino acid with highly similar properties. This amino acid position is conserved. In addition, the in silico prediction for this alteration is inconclusive. Since supporting evidence is limited at this time, the clinical significance of this alteration remains unclear.

NM_007272.3(CTRC):c.800A>G (p.Gln267Arg)

Gene: CTRC (chymotrypsin C; plus strand). Cytogenetic location: 1p36.21.
Variant type: single nucleotide variant.
Coding change: c.800A>G on transcript NM_007272.3 (MANE Select); coding-DNA position 800, A replaced by G.
Protein change: p.Gln267Arg; replaces glutamine 267 with arginine.
Molecular consequence: missense variant.
Genome position (GRCh38, 1-based): chr1:15,446,582, A>G. VCF-style: chr1-15446582-A-G. GRCh37 (hg19) VCF-style: chr1-15773077-A-G.
Other names: short protein forms Q267R.
Identifiers: ClinVar variation 1761628 (VCV001761628.3), dbSNP rs2526308343, ClinGen allele CA338568385.